The following is an entry in ClinVar:

ClinVar aggregate classification (germline): Uncertain significance (1 of 4 stars; one submission).

Submission:

GeneDx
Classification: Uncertain significance. Last evaluated: 2023-11-28. Review status: criteria provided, single submitter. Criteria: GeneDx Variant Classification Process June 2021. Collection method: clinical testing. Allele origin: germline. Affected: yes.
Comment: Not observed at significant frequency in large population cohorts (gnomAD); In silico analysis supports that this missense variant has a deleterious effect on protein structure/function; Has not been previously published as pathogenic or benign to our knowledge

NM_002576.5(PAK1):c.1586G>C (p.Ser529Thr)

Gene: PAK1 (p21 (RAC1) activated kinase 1; minus strand). Cytogenetic location: 11q13.5.
Variant type: single nucleotide variant.
Coding change: c.1586G>C on transcript NM_002576.5 (MANE Select); coding-DNA position 1586, G replaced by C.
Protein change: p.Ser529Thr; replaces serine 529 with threonine.
Molecular consequence: missense variant. On other transcripts: non-coding transcript variant (2), intron variant (1).
Genome position (GRCh38, 1-based): chr11:77,323,326, C>G on the plus strand (G>C on the coding strand, the complement: PAK1 is on the minus strand). VCF-style: chr11-77323326-C-G. GRCh37 (hg19) VCF-style: chr11-77034371-C-G.
Other names: c.1586G>C, p.Ser529Thr (NM_001376274.1, NM_001376275.1, NM_001376276.1 and 12 more transcripts); c.1497G>C, p.Gln499His (NM_001376289.1); c.1463G>C, p.Ser488Thr (NM_001376290.1, NM_001376291.1); c.1448G>C, p.Ser483Thr (NM_001376292.1, NM_001376293.1); c.1439G>C, p.Ser480Thr (NM_001376294.1); c.1409G>C, p.Ser470Thr (NM_001376295.1); c.1337G>C, p.Ser446Thr (NM_001376301.1); c.1341G>C, p.Gln447His (NM_001376302.1); and 5 more; short protein forms Q447H, Q499H, Q545H, S431T, S433T, S446T, S470T, S480T.
Identifiers: ClinVar variation 3364730 (VCV003364730.1).